The following is an entry in ClinVar:

ClinVar aggregate classification (germline): Uncertain significance (1 of 4 stars; one submission).

Conditions:
Episodic ataxia type 1 (EA1). Also called: ATAXIA, EPISODIC, WITH MYOKYMIA; MYOKYMIA WITH PERIODIC ATAXIA; PAROXYSMAL ATAXIA WITH NEUROMYOTONIA, HEREDITARY; Episodic ataxia/myokymia syndrome. Identifiers: Orphanet 37612, Orphanet 972, MedGen C1719788, MONDO:0008047, OMIM 160120.

Submission:

Labcorp Genetics (formerly Invitae), Labcorp
Classification: Uncertain significance for Episodic ataxia type 1. Last evaluated: 2024-07-29. Review status: criteria provided, single submitter. Criteria: Invitae Variant Classification Sherloc (09022015). Collection method: clinical testing. Allele origin: germline.
Comment: This sequence change replaces aspartic acid, which is acidic and polar, with asparagine, which is neutral and polar, at codon 377 of the KCNA1 protein (p.Asp377Asn). This variant is not present in population databases (gnomAD no frequency). This variant has not been reported in the literature in individuals affected with KCNA1-related conditions. Advanced modeling of protein sequence and biophysical properties (such as structural, functional, and spatial information, amino acid conservation, physicochemical variation, residue mobility, and thermodynamic stability) performed at Invitae indicates that this missense variant is expected to disrupt KCNA1 protein function with a positive predictive value of 80%. In summary, the available evidence is currently insufficient to determine the role of this variant in disease. Therefore, it has been classified as a Variant of Uncertain Significance.

NM_000217.3(KCNA1):c.1129G>A (p.Asp377Asn)

Gene: KCNA1 (potassium voltage-gated channel subfamily A member 1; plus strand). Cytogenetic location: 12p13.32.
Variant type: single nucleotide variant.
Coding change: c.1129G>A on transcript NM_000217.3 (MANE Select); coding-DNA position 1129, G replaced by A.
Protein change: p.Asp377Asn; replaces aspartic acid 377 with asparagine.
Molecular consequence: missense variant.
Genome position (GRCh38, 1-based): chr12:4,912,507, G>A. VCF-style: chr12-4912507-G-A. GRCh37 (hg19) VCF-style: chr12-5021673-G-A.
Other names: short protein forms D377N.
Identifiers: ClinVar variation 3645208 (VCV003645208.2).
Genomic context (GRCh38, chr12:4,912,507, plus strand): 5'-TCCAGTATCCCCGATGCTTTCTGGTGGGCGGTGGTGTCCATGACCACTGTAGGATACGGT[G>A]ACATGTACCCTGTGACAATTGGAGGCAAGATCGTGGGCTCCTTGTGTGCCATCGCTGGTG-3'
Protein context (NP_000208.2, residues 367-387): VVSMTTVGYG[Asp377Asn]MYPVTIGGKI